The following is an entry in ClinVar:

NM_004360.5(CDH1):c.1420A>G (p.Thr474Ala)

Gene: CDH1 (cadherin 1; plus strand). Cytogenetic location: 16q22.1.
Variant type: single nucleotide variant.
Coding change: c.1420A>G on transcript NM_004360.5 (MANE Select); coding-DNA position 1420, A replaced by G.
Protein change: p.Thr474Ala; replaces threonine 474 with alanine.
Molecular consequence: missense variant. On other transcripts: 5 prime UTR variant (2).
Genome position (GRCh38, 1-based): chr16:68,815,614, A>G. VCF-style: chr16-68815614-A-G. GRCh37 (hg19) VCF-style: chr16-68849517-A-G.
Other names: c.1420A>G (LRG_301t1); c.1237A>G, p.Thr413Ala (NM_001317184.2); c.-129A>G (NM_001317185.2); c.-400A>G (NM_001317186.2); short protein forms T474A, T413A.
Identifiers: ClinVar variation 483235 (VCV000483235.19), dbSNP rs773858736, ClinGen allele CA8130077.
Genomic context (GRCh38, chr16:68,815,614, plus strand): 5'-GTAGCAGTGACGAATGTGGTACCTTTTGAGGTCTCTCTCACCACCTCCACAGCCACCGTC[A>G]CCGTGGATGTGCTGGATGTGAATGAAGCCCCCATCTTTGTGCCTCCTGAAAAGAGAGTGG-3'
Protein context (NP_004351.1, residues 464-484): VSLTTSTATV[Thr474Ala]VDVLDVNEAP

ClinVar aggregate classification (germline): Uncertain significance. Review status: criteria provided, multiple submitters, no conflicts (2 of 4 stars). 5 submissions from 5 submitters: Uncertain significance (5). Last evaluated 2025-11-05.

Conditions:
Hereditary cancer-predisposing syndrome. Also called: Hereditary neoplastic syndrome; Neoplastic Syndromes, Hereditary; Tumor predisposition; Hereditary Cancer Syndrome. Identifiers: Orphanet 140162, MedGen C0027672, MeSH D009386, MONDO:0015356.
Hereditary diffuse gastric adenocarcinoma (HDGC). Also called: DIFFUSE GASTRIC AND LOBULAR BREAST CANCER SYNDROME. Identifiers: Orphanet 26106, MedGen C1708349, MONDO:0007648, OMIM 137215.

Allele frequency attached by ClinVar (database versions not stated): gnomAD exomes below 0.00001 and 0.00001; ExAC 0.00001.
gnomAD v4.1: 9 of 1,614,202 alleles (0.00056%); highest among the groups gnomAD compares: Non-Finnish European, 0.00076%; no homozygotes.

Submissions (5):

Labcorp Genetics (formerly Invitae), Labcorp
Classification: Uncertain significance for Hereditary diffuse gastric adenocarcinoma. Last evaluated: 2025-11-05. Review status: criteria provided, single submitter. Criteria: Invitae Variant Classification Sherloc (09022015). Collection method: clinical testing. Allele origin: germline.
Comment: This sequence change replaces threonine, which is neutral and polar, with alanine, which is neutral and non-polar, at codon 474 of the CDH1 protein (p.Thr474Ala). This variant is present in population databases (rs773858736, gnomAD 0.0009%). This missense change has been observed in individual(s) with unspecified cancer (PMID: 28873162). ClinVar contains an entry for this variant (Variation ID: 483235). An algorithm developed to predict the effect of missense changes on protein structure and function (PolyPhen-2) suggests that this variant is likely to be tolerated. In summary, the available evidence is currently insufficient to determine the role of this variant in disease. Therefore, it has been classified as a Variant of Uncertain Significance.

Quest Diagnostics Nichols Institute San Juan Capistrano
Classification: Uncertain significance. Last evaluated: 2024-08-15. Review status: criteria provided, single submitter. Criteria: Quest Diagnostics criteria. Collection method: clinical testing. Allele origin: unknown.
Comment: The CDH1 c.1420A>G (p.Thr474Ala) variant has been reported in the published literature in an individual with unspecified cancer (PMID: 28873162 (2017)). It has also been observed in an individual with breast cancer and in a reportedly healthy individual in a case-control study (PMID: 33471991 (2021), see also LOVD). The frequency of this variant in the general population, 0.000004 (1/251488 chromosomes (Genome Aggregation Database)), is uninformative in the assessment of its pathogenicity. Analysis of this variant using bioinformatics tools for the prediction of the effect of amino acid changes on protein structure and function yielded predictions that this variant is benign. Based on the available information, we are unable to determine the clinical significance of this variant.

Ambry Genetics
Classification: Uncertain significance for Hereditary cancer-predisposing syndrome. Last evaluated: 2023-01-05. Review status: criteria provided, single submitter. Criteria: Ambry Variant Classification Scheme 2023. Collection method: clinical testing. Allele origin: germline.
Comment: The p.T474A variant (also known as c.1420A>G), located in coding exon 10 of the CDH1 gene, results from an A to G substitution at nucleotide position 1420. The threonine at codon 474 is replaced by alanine, an amino acid with similar properties. This amino acid position is well conserved in available vertebrate species. In addition, this alteration is predicted to be tolerated by in silico analysis. Since supporting evidence is limited at this time, the clinical significance of this alteration remains unclear.

Color Diagnostics, LLC DBA Color Health
Classification: Uncertain significance for Hereditary cancer-predisposing syndrome. Last evaluated: 2021-10-19. Review status: criteria provided, single submitter. Criteria: ACMG Guidelines, 2015. Collection method: clinical testing. Allele origin: germline.
Comment: This missense variant replaces threonine with alanine at codon 474 of the CDH1 protein. To our knowledge, functional studies have not been reported for this variant. This variant has been reported in individuals affected with an unspecified, advanced cancer in the literature (PMID: 28873162). This variant has been identified in 1/251488 chromosomes in the general population by the Genome Aggregation Database (gnomAD). The available evidence is insufficient to determine the role of this variant in disease conclusively. Therefore, this variant is classified as a Variant of Uncertain Significance.

Women's Health and Genetics/Laboratory Corporation of America, LabCorp
Classification: Uncertain significance. Last evaluated: 2019-05-24. Review status: criteria provided, single submitter. Criteria: LabCorp Variant Classification Summary - May 2015. Collection method: clinical testing. Allele origin: germline.
Comment: Variant summary: CDH1 c.1420A>G (p.Thr474Ala) results in a non-conservative amino acid change located in the Cadherin-like domain (IPR002126) of the encoded protein sequence. Three of five in-silico tools predict a benign effect of the variant on protein function. The variant allele was found at a frequency of 4e-06 in 251488 control chromosomes (gnomAD). The available data on variant occurrences in the general population are insufficient to allow any conclusion about variant significance. c.1420A>G has been reported in the literature in individuals affected with advanced cancer (Mandelker_2017) . However, this report does not provide unequivocal conclusions about association of the variant with Hereditary Diffuse Gastric Cancer . To our knowledge, no experimental evidence demonstrating an impact on protein function has been reported. One clinical diagnostic laboratory has submitted clinical-significance assessments for this variant to ClinVar after 2014 without evidence for independent evaluation and classified the variant as uncertain significance. Based on the evidence outlined above, the variant was classified as uncertain significance.

Literature cited by the submitters: PubMed 28873162 (cited by 4 submitters); PubMed 33471991 (cited by Quest Diagnostics Nichols Institute San Juan Capistrano).